The following is an entry in ClinVar:

ClinVar aggregate classification (germline): Uncertain significance. Review status: criteria provided, multiple submitters, no conflicts (2 of 4 stars). 3 submissions from 3 submitters: Uncertain significance (3). Last evaluated 2026-06-24.

Conditions:
Cardiovascular phenotype. Identifiers: MedGen CN230736.
Dilated cardiomyopathy 1J (CMD1J). Also called: CARDIOMYOPATHY, DILATED, WITH SENSORINEURAL HEARING LOSS, AUTOSOMAL DOMINANT. Identifiers: Orphanet 217622, MedGen C1854368, MONDO:0011541, OMIM 605362.
EYA4-related disorder. Also called: EYA4-related condition; EYA4-related disorders. Identifiers: MedGen CN239388.

Allele frequency attached by ClinVar (database versions not stated): gnomAD exomes below 0.00001; TOPMed below 0.00001; gnomAD 0.00001.
gnomAD v4.1: 2 of 1,613,662 alleles (0.00012%); highest among the groups gnomAD compares: Non-Finnish European, 0.00017%; no homozygotes.

Submissions (3):

PreventionGenetics, part of Exact Sciences
Classification: Uncertain significance for EYA4-related condition. Last evaluated: 2026-06-24. Review status: criteria provided, single submitter. Criteria: ACMG Guidelines, 2015. Collection method: clinical testing. Allele origin: germline.
Comment: The EYA4 c.1893C>G variant is predicted to result in the amino acid substitution p.His631Gln. To our knowledge, this variant has not been reported in the literature. This variant is reported in 0.00088% of alleles in individuals of European (Non-Finnish) descent in gnomAD. At this time, the clinical significance of this variant is uncertain due to the absence of conclusive functional and genetic evidence.

Ambry Genetics
Classification: Uncertain significance for Cardiovascular phenotype. Last evaluated: 2026-06-03. Review status: criteria provided, single submitter. Criteria: Ambry Variant Classification Scheme 2023. Collection method: clinical testing. Allele origin: germline.

Labcorp Genetics (formerly Invitae), Labcorp
Classification: Uncertain significance for Dilated cardiomyopathy 1J. Last evaluated: 2025-11-16. Review status: criteria provided, single submitter. Criteria: Invitae Variant Classification Sherloc (09022015). Collection method: clinical testing. Allele origin: germline.
Comment: This sequence change replaces histidine, which is basic and polar, with glutamine, which is neutral and polar, at codon 631 of the EYA4 protein (p.His631Gln). This variant is present in population databases (no rsID available, gnomAD 0.0009%). This variant has not been reported in the literature in individuals affected with EYA4-related conditions. ClinVar contains an entry for this variant (Variation ID: 1382924). Invitae Evidence Modeling of protein sequence and biophysical properties (such as structural, functional, and spatial information, amino acid conservation, physicochemical variation, residue mobility, and thermodynamic stability) indicates that this missense variant is not expected to disrupt EYA4 protein function with a negative predictive value of 80%. In summary, the available evidence is currently insufficient to determine the role of this variant in disease. Therefore, it has been classified as a Variant of Uncertain Significance.

NM_004100.5(EYA4):c.1893C>G (p.His631Gln)

Genes: EYA4 (EYA transcriptional coactivator and phosphatase 4; plus strand), TARID (TCF21 antisense RNA inducing promoter demethylation; minus strand). Cytogenetic location: 6q23.2.
Variant type: single nucleotide variant.
Coding change: c.1893C>G on transcript NM_004100.5 (MANE Select); coding-DNA position 1893, C replaced by G.
Protein change: p.His631Gln; replaces histidine 631 with glutamine.
Molecular consequence: missense variant.
Genome position (GRCh38, 1-based): chr6:133,528,778, C>G. VCF-style: chr6-133528778-C-G. GRCh37 (hg19) VCF-style: chr6-133849916-C-G.
Other names: c.1731C>G, p.His577Gln (NM_001301012.2); c.1911C>G, p.His637Gln (NM_001301013.2); c.1824C>G, p.His608Gln (NM_001370458.1, NM_172103.4); c.1749C>G, p.His583Gln (NM_001370459.1); c.1893C>G, p.His631Gln (NM_172105.4); short protein forms H577Q, H608Q, H637Q, H583Q, H631Q.
Identifiers: ClinVar variation 1382924 (VCV001382924.13), dbSNP rs769828566, ClinGen allele CA365703219.
Genomic context (GRCh38, chr6:133,528,778, plus strand): 5'-CACACAGCACAACATGCCCTTCTGGAGGATATCCAGTCACTCAGACCTCCTGGCTCTCCA[C>G]CAAGCACTGGAATTAGAGTATTTGTAACTGTGTTCTTTAGCCGGAGATCCATTTTTTATA-3'
Protein context (NP_004091.3, residues 621-639): ISSHSDLLAL[His631Gln]QALELEYL